The following is an entry in ClinVar:

ClinVar aggregate classification (germline): Benign/Likely benign. Review status: criteria provided, multiple submitters, no conflicts (2 of 4 stars). 9 submissions from 9 submitters: Benign (3); Likely benign (3). 3 of the submissions do not count toward it. Last evaluated 2026-09-01.

Conditions:
TNFAIP3-related disorder. Also called: TNFAIP3-related condition.
Autoinflammatory syndrome, familial, Behcet-like 1 (AIFBL1). Also called: Haploinsufficiency of A20. Identifiers: Orphanet 674762, MedGen C4225218, MONDO:0800045, OMIM 616744.

Allele frequency attached by ClinVar (database versions not stated): 1000 Genomes Project 30x 0.00125; 1000 Genomes Project 0.00140; TOPMed 0.00153; ExAC 0.00181; ESP Exome Variant Server 0.00208; gnomAD exomes 0.00213 and 0.00266; gnomAD 0.00214 and 0.00221.
gnomAD v4.1: 4,183 of 1,613,870 alleles (0.26%); highest among the groups gnomAD compares: Non-Finnish European, 0.28%; 10 homozygotes.

Submissions (9):

CeGaT Center for Human Genetics Tuebingen
Classification: Likely benign. Last evaluated: 2026-09-01. Review status: criteria provided, single submitter. Criteria: CeGaT Center For Human Genetics Tuebingen Variant Classification Criteria Version 2. Collection method: clinical testing. Allele origin: germline. Affected: yes. Observed: 3 variant alleles.
Comment: TNFAIP3: BP4, BS1

Women's Health and Genetics/Laboratory Corporation of America, LabCorp
Classification: Benign. Last evaluated: 2026-04-02. Review status: criteria provided, single submitter. Criteria: LabCorp Variant Classification Summary - May 2015. Collection method: clinical testing. Allele origin: germline.
Comment: Variant summary: TNFAIP3 c.2175G>A results in a synonymous change. Consensus agreement among computation tools predict no significant impact on normal splicing. However, these predictions have yet to be confirmed by functional studies. The variant allele was found at a frequency of 0.0021 in 251132 control chromosomes, predominantly at a frequency of 0.0023 within the Non-Finnish European subpopulation in the gnomAD database. The observed variant frequency within Non-Finnish European control individuals in the gnomAD database exceeds the estimated maximal expected allele frequency for disease-causing variants in TNFAIP3. To our knowledge, no occurrence of c.2175G>A in individuals affected with TNFAIP3-related conditions and no experimental evidence demonstrating its impact on protein function have been reported. ClinVar contains an entry for this variant (Variation ID: 711037). Based on the evidence outlined above, the variant was classified as benign.

Labcorp Genetics (formerly Invitae), Labcorp
Classification: Benign. Last evaluated: 2026-02-01. Review status: criteria provided, single submitter. Criteria: Invitae Variant Classification Sherloc (09022015). Collection method: clinical testing. Allele origin: germline.

ARUP Laboratories, Molecular Genetics and Genomics, ARUP Laboratories
Classification: Benign for Autoinflammatory syndrome, familial, Behcet-like 1. Last evaluated: 2025-06-25. Review status: criteria provided, single submitter. Criteria: ARUP Molecular Germline Variant Investigation Process 2024. Collection method: clinical testing. Allele origin: germline.

Blueprint Genetics
Classification: Likely benign. Last evaluated: 2024-11-15. Review status: criteria provided, single submitter. Criteria: ACMG Guidelines, 2015. Collection method: clinical testing. Allele origin: germline.

Mayo Clinic Laboratories, Mayo Clinic
Classification: Likely benign. Last evaluated: 2024-09-04. Review status: criteria provided, single submitter. Criteria: ACMG Guidelines, 2015. Collection method: clinical testing. Allele origin: germline. Observed: 7 variant alleles.
Comment: BP4, BP7

PreventionGenetics, part of Exact Sciences
Classification: Benign for TNFAIP3-related condition. Last evaluated: 2019-07-26. Review status: no assertion criteria provided. Collection method: clinical testing. Allele origin: germline. Not counted in ClinVar's aggregate classification.
Comment: This variant is classified as benign based on ACMG/AMP sequence variant interpretation guidelines (Richards et al. 2015 PMID: 25741868, with internal and published modifications).

Clinical Genetics DNA and cytogenetics Diagnostics Lab, Erasmus MC, Erasmus Medical Center
Classification: Likely benign. Review status: no assertion criteria provided. Collection method: clinical testing. Allele origin: germline. Affected: yes. Study: VKGL Data-share Consensus. Not counted in ClinVar's aggregate classification.

Genome Diagnostics Laboratory, University Medical Center Utrecht
Classification: Likely benign. Review status: no assertion criteria provided. Collection method: clinical testing. Allele origin: germline. Affected: yes. Study: VKGL Data-share Consensus. Not counted in ClinVar's aggregate classification.

NM_001270508.2(TNFAIP3):c.2175G>A (p.Leu725=)

Gene: TNFAIP3 (TNF alpha induced protein 3; plus strand). Cytogenetic location: 6q23.3.
Variant type: single nucleotide variant.
Coding change: c.2175G>A on transcript NM_001270508.2 (MANE Select); coding-DNA position 2175, G replaced by A.
Protein change: p.Leu725=; no amino-acid change (leucine 725 retained).
Molecular consequence: synonymous variant.
Genome position (GRCh38, 1-based): chr6:137,881,121, G>A. VCF-style: chr6-137881121-G-A. GRCh37 (hg19) VCF-style: chr6-138202258-G-A.
Other names: p.Leu725=; c.2175G>A, p.Leu725= (NM_001270507.2, NM_006290.4).
Identifiers: ClinVar variation 711037 (VCV000711037.40), dbSNP rs140354477, ClinGen allele CA4019814.
Genomic context (GRCh38, chr6:137,881,121, plus strand): 5'-TCGAACCACACAAAGCACCTCAAGGCCCAAGTGCGCCCGGGCCTCCTGCAAGAACATCCT[G>A]GCCTGCCGCAGCGAGGAGCTCTGCATGGAGTGTCAGCATCCCAACCAGAGGATGGGCCCT-3'
Protein context (NP_001257437.1, residues 715-735): KCARASCKNI[Leu725=]ACRSEELCME